The following is an entry in ClinVar:

NM_000264.5(PTCH1):c.1087_1106del (p.Met363fs)

Gene: PTCH1 (patched 1; minus strand). Cytogenetic location: 9q22.32.
Variant type: Deletion.
Coding change: c.1087_1106del on transcript NM_000264.5 (MANE Select); coding-DNA positions 1087 to 1106, 20 bases deleted (ATGTTCCAGTTAATGACTCC).
Protein change: p.Met363fs; shifts the reading frame from methionine 363.
Molecular consequence: frameshift variant. On other transcripts: non-coding transcript variant (1).
Genome position (GRCh38, 1-based): chr9:95,479,109-95,479,128, GGAGTCATTAACTGGAACAT deleted on the plus strand (ATGTTCCAGTTAATGACTCC on the coding strand, the reverse complement: PTCH1 is on the minus strand); deleting any 20 consecutive bases within chr9:95,479,109-95,479,130 gives the same sequence; the c. name uses the placement nearest the transcript's 3' end. VCF-style (leftmost placement, unchanged base first): chr9-95479108-GGGAGTCATTAACTGGAACAT-G. GRCh37 (hg19) VCF-style: chr9-98241390-GGGAGTCATTAACTGGAACAT-G.
Other names: c.889_908del, p.Met297fs (NM_001083602.3); c.1084_1103del, p.Met362fs (NM_001083603.3); c.634_653del, p.Met212fs (NM_001083604.3, NM_001083605.3, NM_001083606.3 and 1 more transcripts); c.1087_1106del, p.Met363fs (NM_001354918.2); short protein forms M212fs, M297fs, M362fs, M363fs.
Identifiers: ClinVar variation 5020088 (VCV005020088.1).

ClinVar aggregate classification (germline): Pathogenic (1 of 4 stars; one submission).

Conditions:
Gorlin syndrome. Also called: Nevoid Basal Cell Carcinoma Syndrome; Basal cell nevus syndrome. Identifiers: Orphanet 377, MedGen C0004779, MONDO:0007187.

Submission:

Division of Genetic & Genomic Pathology, Hong Kong Children's Hospital
Classification: Pathogenic for Gorlin syndrome. Last evaluated: 2025-06-10. Review status: criteria provided, single submitter. Criteria: ACMG Guidelines, 2015. Collection method: clinical testing. Allele origin: germline. Affected: yes.
Comment: The frameshift deletion PTCH1 c.1087_1106del p.(Met363Glnfs*67) is located in exon 8 of 24 of the PTCH1 gene. It is predicted to introduce a premature stop codon in a gene where loss of function is known to cause disease. The variant is absent from population control databases (gnomAD v2.1.1 and v4.1.0). The proband’s phenotype is highly consistent with PTCH1-related nevoid basal cell carcinoma syndrome. For these reasons, PTCH1 c.1087_1106del p.(Met363Glnfs*67) is classified as pathogenic.